The following is an entry in ClinVar:

ClinVar aggregate classification (germline): Conflicting classifications of pathogenicity. Review status: criteria provided, conflicting classifications (1 of 4 stars). 5 submissions from 5 submitters: Uncertain significance (4); Likely benign (1). Last evaluated 2026-08-20.

Conditions:
COL18A1-related disorder. Also called: COL18A1-related disorders; COL18A1-related condition.
Inborn genetic diseases. Identifiers: MedGen C0950123, MeSH D030342.

Allele frequency attached by ClinVar (database versions not stated): gnomAD 0.00017 and 0.00018; TOPMed 0.00019; gnomAD exomes 0.00026; ExAC 0.00034; ESP Exome Variant Server 0.00049.
gnomAD v4.1: 360 of 1,613,850 alleles (0.022%); highest among the groups gnomAD compares: Non-Finnish European, 0.028%; no homozygotes.

Submissions (5):

PreventionGenetics, part of Exact Sciences
Classification: Uncertain significance for COL18A1-related condition. Last evaluated: 2026-08-20. Review status: criteria provided, single submitter. Criteria: ACMG Guidelines, 2015. Collection method: clinical testing. Allele origin: germline.
Comment: The COL18A1 c.1765G>A variant is predicted to result in the amino acid substitution p.Asp589Asn. To our knowledge, this variant has not been reported in the literature. This variant is reported in 0.051% of alleles in individuals of European (Non-Finnish) descent in gnomAD, which may be too frequent to be a primary cause of disease. Although we suspect that this variant may be benign, at this time, the clinical significance of this variant is uncertain due to the absence of conclusive functional and genetic evidence.

GeneDx
Classification: Uncertain significance. Last evaluated: 2026-01-27. Review status: criteria provided, single submitter. Criteria: GeneDx Variant Classification Process June 2021. Collection method: clinical testing. Allele origin: germline.
Comment: In silico analysis supports that this missense variant has a deleterious effect on protein structure/function; Has not been previously published as pathogenic or benign to our knowledge

Labcorp Genetics (formerly Invitae), Labcorp
Classification: Uncertain significance. Last evaluated: 2025-01-06. Review status: criteria provided, single submitter. Criteria: Invitae Variant Classification Sherloc (09022015). Collection method: clinical testing. Allele origin: germline.
Comment: This sequence change replaces aspartic acid, which is acidic and polar, with asparagine, which is neutral and polar, at codon 409 of the COL18A1 protein (p.Asp409Asn). This variant is present in population databases (rs200553372, gnomAD 0.05%). This variant has not been reported in the literature in individuals affected with COL18A1-related conditions. ClinVar contains an entry for this variant (Variation ID: 1365946). Experimental studies and prediction algorithms are not available or were not evaluated, and the functional significance of this variant is currently unknown. In summary, the available evidence is currently insufficient to determine the role of this variant in disease. Therefore, it has been classified as a Variant of Uncertain Significance.

Blueprint Genetics
Classification: Likely benign. Last evaluated: 2024-10-17. Review status: criteria provided, single submitter. Criteria: ACMG Guidelines, 2015. Collection method: clinical testing. Allele origin: germline.

Ambry Genetics
Classification: Uncertain significance for Inborn genetic diseases. Last evaluated: 2024-03-26. Review status: criteria provided, single submitter. Criteria: Ambry Variant Classification Scheme 2023. Collection method: clinical testing. Allele origin: germline.

NM_001379500.1(COL18A1):c.1225G>A (p.Asp409Asn)

Gene: COL18A1 (collagen type XVIII alpha 1 chain; plus strand). Cytogenetic location: 21q22.3.
Variant type: single nucleotide variant.
Coding change: c.1225G>A on transcript NM_001379500.1 (MANE Select); coding-DNA position 1225, G replaced by A.
Protein change: p.Asp409Asn; replaces aspartic acid 409 with asparagine.
Molecular consequence: missense variant.
Genome position (GRCh38, 1-based): chr21:45,478,330, G>A. VCF-style: chr21-45478330-G-A. GRCh37 (hg19) VCF-style: chr21-46898244-G-A.
Other names: NM_130445.2:c.1225G>A; c.1765G>A, p.Asp589Asn (NM_030582.4); c.2470G>A, p.Asp824Asn (NM_130444.3); c.1765G>A (NM_030582.3); short protein forms D589N, D824N, D409N.
Identifiers: ClinVar variation 1365946 (VCV001365946.7), dbSNP rs200553372, ClinGen allele CA10066160.
Genomic context (GRCh38, chr21:45,478,330, plus strand): 5'-GTAGGTGGCGCCGGAGGAGTCATTTCCCATCACTAATGGCTTCTCTTGCACACCCAGGGC[G>A]ACCCCGGTGAAGACGGAAAGCCGGTGAGTCTGCTTTTCTTTCTGACCCCTGTGTTATCTG-3'
Protein context (NP_001366429.1, residues 399-419): GTPGRDGEPG[Asp409Asn]PGEDGKPGDT